The following is an entry in ClinVar:

ClinVar aggregate classification (germline): Pathogenic (1 of 4 stars; one submission).

Conditions:
Weiss-Kruszka syndrome. Also called: Metopic ridging-ptosis-facial dysmorphism syndrome. Identifiers: Orphanet 502430, MedGen C5568107, MONDO:0032836, OMIM 618619.

Submission:

Broad Center for Mendelian Genomics, Broad Institute of MIT and Harvard
Classification: Pathogenic for Weiss-Kruszka syndrome. Last evaluated: 2023-05-02. Review status: criteria provided, single submitter. Criteria: ACMG Guidelines, 2015. Collection method: curation. Allele origin: germline. Inheritance: Autosomal dominant inheritance.
Comment: Trio exome analysis showed this variant to be de novo. The p.Arg1168ProfsTer15 variant in ZNF462 has not been previously reported in individuals with Weiss-Kruszka syndrome. This variant was absent from large population studies. This variant is predicted to cause a frameshift, which alters the protein‚Äôs amino acid sequence beginning at position 1168 and leads to a premature termination codon 15 amino acids downstream. This alteration is then predicted to lead to a truncated or absent protein. Heterozygous loss of function of the ZNF462 gene is an established disease mechanism in autosomal dominant Weiss-Kruszka syndrome. In summary, this variant meets criteria to be classified as pathogenic for autosomal dominant Weiss-Kruszka syndrome. ACMG/AMP Criteria applied: PVS1, PM2_Supporting, PS2_Supporting (Richards 2015).

NM_021224.6(ZNF462):c.3502dup (p.Arg1168fs)

Gene: ZNF462 (zinc finger protein 462; plus strand). Cytogenetic location: 9q31.2.
Variant type: Duplication.
Coding change: c.3502dup on transcript NM_021224.6 (MANE Select); coding-DNA position 3502, one base duplicated (C; older notation c.3502dupC).
Protein change: p.Arg1168fs; shifts the reading frame from arginine 1168.
Molecular consequence: frameshift variant. On other transcripts: intron variant (1).
Genome position (GRCh38, 1-based): chr9:106,927,414, C duplicated; the last of 6 consecutive C bases (chr9:106,927,409-106,927,414); duplicating any one gives the same sequence. VCF-style (leftmost placement, unchanged base first): chr9-106927408-T-TC. GRCh37 (hg19) VCF-style: chr9-109689689-T-TC.
Other names: NM_001347997.2:c.3252+250dup; c.3252+250dup (NM_001347997.2); short protein forms R1168fs.
Identifiers: ClinVar variation 2500924 (VCV002500924.1), dbSNP rs2538778615, ClinGen allele CA2573106100.
Genomic context (GRCh38, chr9:106,927,408, plus strand): 5'-TATATCAGACAGGCTCCTCCCACAGCTGCAATGATGAGAGGGGTCGAAGGGCCCCAAGGC[T>TC]CCCCCCGGCCACCCGCCCCCATACAACAGCTGAACCGAAGCAGCTCTGAGAGAGATGGCC-3'